The following is an entry in ClinVar:

NM_022356.4(P3H1):c.1351_1357del (p.Pro451fs)

Gene: P3H1 (prolyl 3-hydroxylase 1; minus strand). Cytogenetic location: 1p34.2.
Variant type: Deletion.
Coding change: c.1351_1357del on transcript NM_022356.4 (MANE Select); coding-DNA positions 1351 to 1357, 7 bases deleted (CCCCTGC; older notation c.1351_1357delCCCCTGC).
Protein change: p.Pro451fs; shifts the reading frame from proline 451.
Molecular consequence: frameshift variant.
Genome position (GRCh38, 1-based): chr1:42,752,653-42,752,659, GCAGGGG deleted on the plus strand (CCCCTGC on the coding strand, the reverse complement: P3H1 is on the minus strand); deleting any 7 consecutive bases within chr1:42,752,653-42,752,661 gives the same sequence; the c. name uses the placement nearest the transcript's 3' end. VCF-style (leftmost placement, unchanged base first): chr1-42752652-AGCAGGGG-A. GRCh37 (hg19) VCF-style: chr1-43218323-AGCAGGGG-A.
Other names: c.1351_1357del, p.Pro451fs (NM_001146289.2, NM_001243246.2); short protein forms P451fs.
Identifiers: ClinVar variation 2695842 (VCV002695842.3), dbSNP rs2524439130, ClinGen allele CA2697552346.

ClinVar aggregate classification (germline): Pathogenic (1 of 4 stars; one submission).

Conditions:
Osteogenesis imperfecta type 8 (OI8). Identifiers: MedGen C1970458, MONDO:0012581, OMIM 610915.

Submission:

Labcorp Genetics (formerly Invitae), Labcorp
Classification: Pathogenic for Osteogenesis imperfecta type 8. Last evaluated: 2023-11-14. Review status: criteria provided, single submitter. Criteria: Invitae Variant Classification Sherloc (09022015). Collection method: clinical testing. Allele origin: germline.
Comment: This sequence change creates a premature translational stop signal (p.Pro451Cysfs*9) in the P3H1 gene. It is expected to result in an absent or disrupted protein product. Loss-of-function variants in P3H1 are known to be pathogenic (PMID: 17277775, 18566967, 19088120, 22281939). This variant is not present in population databases (gnomAD no frequency). This variant has not been reported in the literature in individuals affected with P3H1-related conditions. For these reasons, this variant has been classified as Pathogenic.

Literature cited by the submitters: PubMed 17277775; PubMed 18566967; PubMed 19088120; PubMed 22281939.